The following is an entry in ClinVar:

ClinVar aggregate classification (germline): Uncertain significance. Review status: criteria provided, multiple submitters, no conflicts (2 of 4 stars). 3 submissions from 3 submitters: Uncertain significance (3). Last evaluated 2025-02-13.

Conditions:
Myopia 24, autosomal dominant (MYP24). Identifiers: MedGen C4014762, MONDO:0014411, OMIM 615946.

Allele frequency attached by ClinVar (database versions not stated): gnomAD exomes 0.00037; gnomAD 0.00044; TOPMed 0.00042; ExAC 0.00048; ESP Exome Variant Server 0.00077.
gnomAD v4.1: 603 of 1,614,090 alleles (0.037%); highest among the groups gnomAD compares: Non-Finnish European, 0.045%; 3 homozygotes.

Submissions (3):

GeneDx
Classification: Uncertain significance. Last evaluated: 2025-02-13. Review status: criteria provided, single submitter. Criteria: GeneDx Variant Classification Process June 2021. Collection method: clinical testing. Allele origin: germline. Affected: yes.
Comment: Nonsense variant predicted to result in protein truncation or nonsense mediated decay in a gene for which loss of function is a known mechanism of disease; Has not been previously published as pathogenic or benign in association with SLC39A5-related myopia to our knowledge; This variant is associated with the following publications: (PMID: 39671241, 31345219)

Department of Pathology and Laboratory Medicine, Sinai Health System
Classification: Uncertain significance for Myopia 24, autosomal dominant. Last evaluated: 2023-03-30. Review status: criteria provided, single submitter. Criteria: ACMG Guidelines, 2015. Collection method: research. Allele origin: germline.

Revvity Omics, Revvity
Classification: Uncertain significance for Myopia 24, autosomal dominant. Last evaluated: 2020-03-20. Review status: criteria provided, single submitter. Criteria: ACMG Guidelines, 2015. Collection method: clinical testing. Allele origin: germline.

NM_173596.3(SLC39A5):c.964C>T (p.Arg322Ter)

Gene: SLC39A5 (solute carrier family 39 member 5; plus strand). Cytogenetic location: 12q13.3.
Variant type: single nucleotide variant.
Coding change: c.964C>T on transcript NM_173596.3 (MANE Select); coding-DNA position 964, C replaced by T.
Protein change: p.Arg322Ter; replaces arginine 322 with a stop codon.
Molecular consequence: nonsense.
Genome position (GRCh38, 1-based): chr12:56,236,414, C>T. VCF-style: chr12-56236414-C-T. GRCh37 (hg19) VCF-style: chr12-56630198-C-T.
Other names: c.964C>T, p.Arg322Ter (NM_001135195.2); short protein forms R322*.
Identifiers: ClinVar variation 2436028 (VCV002436028.5), dbSNP rs148112570, ClinGen allele CA6627277.
Genomic context (GRCh38, chr12:56,236,414, plus strand): 5'-TCTGCTGCCTCCTCCACCAGGAGGGATGCCCTCCTATTTCAGAGATGCTGCAGGCGAAAA[C>T]GAAGGAATCTCGAAACACGCAACTTGGATCCGGAGAATGGCAGTGGGATGGCCCTTCAGC-3'